The following is an entry in ClinVar:

NM_000070.3(CAPN3):c.2092C>T (p.Arg698Cys)

Gene: CAPN3 (calpain 3; plus strand). Cytogenetic location: 15q15.1.
Variant type: single nucleotide variant.
Coding change: c.2092C>T on transcript NM_000070.3 (MANE Select); coding-DNA position 2092, C replaced by T.
Protein change: p.Arg698Cys; replaces arginine 698 with cysteine.
Molecular consequence: missense variant.
Genome position (GRCh38, 1-based): chr15:42,409,972, C>T. VCF-style: chr15-42409972-C-T. GRCh37 (hg19) VCF-style: chr15-42702170-C-T.
Other names: c.556C>T, p.Arg186Cys (NM_173088.2); c.97C>T, p.Arg33Cys (NM_173089.2, NM_173090.2); c.2074C>T, p.Arg692Cys (NM_024344.2); c.1816C>T, p.Arg606Cys (NM_173087.2); short protein forms R698C, R33C, R606C, R692C, R186C.
Identifiers: ClinVar variation 285572 (VCV000285572.31), dbSNP rs764370512, ClinGen allele CA7511709.
Genomic context (GRCh38, chr15:42,409,972, plus strand): 5'-CTCTTCTCCATCCCCCCAGACAAGGACCTGAAGACACACGGGTTCACACTGGAGTCCTGC[C>T]GTAGCATGATTGCGCTCATGGATGTATCCTTCCTGCCGCCCCTTCCCGACCCTCTGTCAT-3'
Protein context (NP_000061.1, residues 688-708): KTHGFTLESC[Arg698Cys]SMIALMDTDG

ClinVar aggregate classification (germline): Conflicting classifications of pathogenicity. Review status: criteria provided, conflicting classifications (1 of 4 stars). 11 submissions from 11 submitters: Pathogenic (5); Likely pathogenic (4); Uncertain significance (1). 1 of the submissions does not count toward it. Last evaluated 2025-02-26.

Conditions:
Muscular dystrophy, limb-girdle, autosomal dominant 4. Also called: Calpain-3-related limb-girdle muscular dystrophy D4; MUSCULAR DYSTROPHY, LIMB-GIRDLE, TYPE 1I. Identifiers: Orphanet 565909, MedGen C4748295, MONDO:0029133, OMIM 618129.
Autosomal recessive limb-girdle muscular dystrophy type 2A (LGMDR1). Also called: Limb-girdle muscular dystrophy, type 2A; Calpainopathy; LEYDEN-MOEBIUS MUSCULAR DYSTROPHY; MUSCULAR DYSTROPHY, PELVOFEMORAL; Muscular dystrophy, limb-girdle, type 2A, Amish. Identifiers: Orphanet 267, MedGen C1869123, MONDO:0009675, OMIM 253600. Disease mechanism: loss of function.

Allele frequency attached by ClinVar (database versions not stated): TOPMed 0.00001; gnomAD exomes 0.00002 and below 0.00001; gnomAD 0.00001; ExAC 0.00002.
gnomAD v4.1: 8 of 1,612,032 alleles (0.0005%); highest among the groups gnomAD compares: Admixed American, 0.0017%; no homozygotes.

Submissions (11):

Clinical Genetics Laboratory, University Hospital Schleswig-Holstein
Classification: Likely pathogenic for Autosomal recessive limb-girdle muscular dystrophy type 2A. Last evaluated: 2025-02-26. Review status: criteria provided, single submitter. Criteria: ACMG Guidelines, 2015. Collection method: clinical testing. Allele origin: germline. Affected: yes. Observed: 1 heterozygote.
Comment: ACMG criteria applied: PM2, PP1_Strong, PP3, PM3_Supporting, PP4

Natera, Inc.
Classification: Likely pathogenic for Limb-girdle muscular dystrophy type 2A. Last evaluated: 2024-09-17. Review status: criteria provided, single submitter. Criteria: Natera Variant Classification Schema (03/2026). Collection method: clinical testing. Allele origin: germline.
Comment: The c.2092C>T variant in CAPN3 is a missense variant predicted to cause substitution of arginine to cysteine at amino acid 698. This variant is rare in the general population with a frequency below the threshold expected for the associated phenotype(s). This variant has been observed in one or more individuals affected with the associated recessive disease, as either homozygous or compound heterozygous with a second variant (PMID: 35135626, 21204801). Computational prediction algorithms indicate this variant is likely to affect gene or protein function. Given the available evidence, this variant is classified as Likely Pathogenic.

Broad Center for Mendelian Genomics, Broad Institute of MIT and Harvard
Classification: Likely pathogenic for Autosomal recessive limb-girdle muscular dystrophy type 2A. Last evaluated: 2024-04-11. Review status: criteria provided, single submitter. Criteria: ACMG Guidelines, 2015. Collection method: research. Allele origin: germline. Inheritance: Autosomal recessive inheritance. Affected: yes.
Comment: The homozygous p.Arg698Cys variant in CAPN3 was identified by our study in two unrelated individuals with limb-girdle muscular dystrophy (LGMD). The p.Arg698Cys variant has also been reported in at least 8 individuals with limb-girdle muscular dystrophy (PMID: 15689361, 17236769, 16650086, 21204801, 28403181, 33250842, 35169782, 35821219), and has been identified in 0.002% (1/59994) of Admixed American chromosomes by the Genome Aggregation Database (gnomAD; dbSNP rs764370512). Although this variant has been seen in the general population, its frequency is low enough to be consistent with a recessive carrier frequency. This variant has also been reported in ClinVar (Variation ID: 285572) and has been interpreted as likely pathogenic/pathogenic by multiple labs. Of the affected individuals, five were compound heterozygotes that carried reported pathogenic variant with unknown phase and two were homozygotes, which increases the likelihood that the p.Arg698Cys variant is pathogenic (Variation ID: 17621, 128570, 468648, 557732, 2680368; PMID: 17236769, 21204801, 28403181, 33250842, 35169782, 35821219). Computational prediction tools and conservation analyses suggest that this variant may impact the protein, though this information is not predictive enough to determine pathogenicity. In vitro functional studies provide some evidence that the p.Arg698Cys variant may slightly impact protein function (PMID: 17236769). However, these types of assays may not accurately represent biological function. In summary, although additional studies are required to fully establish its clinical significance, this variant is likely pathogenic for autosomal recessive limb-girdle muscular dystrophy. ACMG/AMP Criteria applied: PM3_strong, PP3_moderate, PM2_supporting, PS3_supporting (Richards 2015).

Labcorp Genetics (formerly Invitae), Labcorp
Classification: Pathogenic for Autosomal recessive limb-girdle muscular dystrophy type 2A. Last evaluated: 2024-01-29. Review status: criteria provided, single submitter. Criteria: Invitae Variant Classification Sherloc (09022015). Collection method: clinical testing. Allele origin: germline.
Comment: This sequence change replaces arginine, which is basic and polar, with cysteine, which is neutral and slightly polar, at codon 698 of the CAPN3 protein (p.Arg698Cys). This variant is present in population databases (rs764370512, gnomAD 0.003%). This missense change has been observed in individual(s) with autosomal recessive limb-girdle muscular dystrophy (PMID: 15689361, 16650086, 21204801, 28403181). ClinVar contains an entry for this variant (Variation ID: 285572). Advanced modeling of protein sequence and biophysical properties (such as structural, functional, and spatial information, amino acid conservation, physicochemical variation, residue mobility, and thermodynamic stability) performed at Invitae indicates that this missense variant is expected to disrupt CAPN3 protein function with a positive predictive value of 80%. This variant disrupts the p.Arg698 amino acid residue in CAPN3. Other variant(s) that disrupt this residue have been observed in individuals with CAPN3-related conditions (PMID: 16411092, 25135358), which suggests that this may be a clinically significant amino acid residue. For these reasons, this variant has been classified as Pathogenic.

Baylor Genetics
Classification: Pathogenic for Muscular dystrophy, limb-girdle, autosomal dominant 4. Last evaluated: 2023-12-02. Review status: criteria provided, single submitter. Criteria: ACMG Guidelines, 2015. Collection method: clinical testing. Allele origin: unknown.

Illumina Laboratory Services, Illumina
Classification: Pathogenic for Autosomal recessive limb-girdle muscular dystrophy type 2A. Last evaluated: 2023-03-07. Review status: criteria provided, single submitter. Criteria: ICSLVariantClassificationCriteria RUGD 01 April 2020. Collection method: clinical testing. Allele origin: unknown.
Comment: The CAPN3 c.2092C>T (p.Arg698Cys) missense variant results in the substitution of arginine at amino acid position 698 with cysteine. This variant has been reported in the literature in at least six individuals with autosomal recessive limb-girdle muscular dystrophy (LGMD), including in a homozygous state in one individual and in a compound heterozygous state in five individuals (PMID: 16650086; PMID: 17236769; PMID: 21204801; PMID: 28403181; PMID: 33250842; PMID: 35169782). Additionally, two different amino acid substitutions at the same codon (Arg698His, Arg698Pro) have been reported in individuals with LGMD (PMID: 25135358; PMID: 10330340). This variant is reported in the Genome Aggregation Database at a frequency of 0.000029 in the Latino/Admixed American population (version 2.1.1). The c.2092C>T variant is located within EF-hand 2 domain, which has a low rate of benign variation (UniProt:P20807; PMID: 35169782). Based on the available evidence, the c.2092C>T (p.Arg698Cys) variant is classified as pathogenic for limb-girdle muscular dystrophy.

Foundation for Research in Genetics and Endocrinology, FRIGE's Institute of Human Genetics
Classification: Likely pathogenic for Autosomal recessive limb-girdle muscular dystrophy type 2A. Last evaluated: 2022-10-14. Review status: criteria provided, single submitter. Criteria: ACMG Guidelines, 2015. Collection method: clinical testing. Allele origin: germline. Inheritance: Autosomal recessive inheritance. Affected: yes. Observed: 1 homozygote.
Comment: A homozygous variation in exon 19 of the CAPN3 gene that results in the amino acid substitution cysteine for arginine at codon 698 was detected. The observed variant reported in the 1000 genomes and gnomAD databases. The in silico predictions of the variant are probably damaging by PolyPhen-2 (HumDiv) and damaging by SIFT and MutationTaster2. The reference codon is conserved across species.

Revvity Omics, Revvity
Classification: Pathogenic. Last evaluated: 2020-01-03. Review status: criteria provided, single submitter. Criteria: ACMG Guidelines, 2015. Collection method: clinical testing. Allele origin: germline.

Eurofins Ntd Llc (ga)
Classification: Uncertain significance. Last evaluated: 2016-01-22. Review status: criteria provided, single submitter. Criteria: EGL Classification Definitions 2015. Collection method: clinical testing. Allele origin: germline. Observed: 1 variant allele, 1 heterozygote.

Juno Genomics, Hangzhou Juno Genomics, Inc
Classification: Pathogenic for Muscular dystrophy, limb-girdle, autosomal dominant 4; Autosomal recessive limb-girdle muscular dystrophy type 2A. Review status: criteria provided, single submitter. Criteria: ACMG Guidelines, 2015. Collection method: clinical testing. Allele origin: germline.
Comment: Absent from controls (or at extremely low frequency if recessive) in Genome Aggregation Database.;Multiple lines of computational evidence support a deleterious effect on the gene or gene product.;For recessive disorders, detected in trans with a pathogenic variant.;Patient's phenotype or family history is highly specific for a disease with a single genetic etiology.

Counsyl
Classification: Likely pathogenic for Autosomal recessive limb-girdle muscular dystrophy type 2A. Last evaluated: 2017-05-10. Review status: no assertion criteria provided. Collection method: clinical testing. Allele origin: unknown. Not counted in ClinVar's aggregate classification.

Literature cited by the submitters: PubMed 35135626 (cited by Natera, Inc.); PubMed 21204801 (cited by 4 submitters); PubMed 15689361 (cited by 3 submitters); PubMed 16650086 (cited by 3 submitters); PubMed 28403181 (cited by 3 submitters); PubMed 16411092 (cited by Labcorp Genetics (formerly Invitae), Labcorp); PubMed 25135358 (cited by Labcorp Genetics (formerly Invitae), Labcorp and Illumina Laboratory Services, Illumina); PubMed 35169782 (cited by Illumina Laboratory Services, Illumina); PubMed 33250842 (cited by Illumina Laboratory Services, Illumina); PubMed 17236769 (cited by Illumina Laboratory Services, Illumina and Counsyl); PubMed 10330340 (cited by Illumina Laboratory Services, Illumina).